The following is an entry in ClinVar:

ClinVar aggregate classification (germline): Uncertain significance. Review status: criteria provided, multiple submitters, no conflicts (2 of 4 stars). 2 submissions from 2 submitters: Uncertain significance (2). Last evaluated 2023-08-11.

Conditions:
Dilated cardiomyopathy 1DD (CMD1DD). Identifiers: Orphanet 154, MedGen C2750995, MONDO:0013168, OMIM 613172.
Cardiovascular phenotype. Identifiers: MedGen CN230736.

gnomAD v4.1: 1 of 1,459,622 alleles (0.000069%); highest among the groups gnomAD compares: Non-Finnish European, 0.00009%; no homozygotes.

Submissions (2):

Labcorp Genetics (formerly Invitae), Labcorp
Classification: Uncertain significance for Dilated cardiomyopathy 1DD. Last evaluated: 2023-08-11. Review status: criteria provided, single submitter. Criteria: Invitae Variant Classification Sherloc (09022015). Collection method: clinical testing. Allele origin: germline.
Comment: In summary, the available evidence is currently insufficient to determine the role of this variant in disease. Therefore, it has been classified as a Variant of Uncertain Significance. Advanced modeling of protein sequence and biophysical properties (such as structural, functional, and spatial information, amino acid conservation, physicochemical variation, residue mobility, and thermodynamic stability) performed at Invitae indicates that this missense variant is not expected to disrupt RBM20 protein function. ClinVar contains an entry for this variant (Variation ID: 2564173). This variant has not been reported in the literature in individuals affected with RBM20-related conditions. This variant is not present in population databases (gnomAD no frequency). This sequence change replaces aspartic acid, which is acidic and polar, with histidine, which is basic and polar, at codon 834 of the RBM20 protein (p.Asp834His).

Ambry Genetics
Classification: Uncertain significance for Cardiovascular phenotype. Last evaluated: 2023-04-14. Review status: criteria provided, single submitter. Criteria: Ambry Variant Classification Scheme 2023. Collection method: clinical testing. Allele origin: germline.
Comment: The p.D834H variant (also known as c.2500G>C), located in coding exon 9 of the RBM20 gene, results from a G to C substitution at nucleotide position 2500. The aspartic acid at codon 834 is replaced by histidine, an amino acid with similar properties. This amino acid position is conserved. In addition, this alteration is predicted to be tolerated by in silico analysis. Since supporting evidence is limited at this time, the clinical significance of this alteration remains unclear.

NM_001134363.3(RBM20):c.2500G>C (p.Asp834His)

Gene: RBM20 (RNA binding motif protein 20; plus strand). Cytogenetic location: 10q25.2.
Variant type: single nucleotide variant.
Coding change: c.2500G>C on transcript NM_001134363.3 (MANE Select); coding-DNA position 2500, G replaced by C.
Protein change: p.Asp834His; replaces aspartic acid 834 with histidine.
Molecular consequence: missense variant.
Genome position (GRCh38, 1-based): chr10:110,812,897, G>C. VCF-style: chr10-110812897-G-C. GRCh37 (hg19) VCF-style: chr10-112572655-G-C.
Other names: short protein forms D834H.
Identifiers: ClinVar variation 2564173 (VCV002564173.5), dbSNP rs1448807103, ClinGen allele CA378374498.
Genomic context (GRCh38, chr10:110,812,897, plus strand): 5'-GCCCCTGAGGGCGCCAAGGCCAAGCAGAATGAGAAAAATAAAACCAAGAGAACTGATAGA[G>C]ACCAAGAAGGAGCTGATGATAGAAAAGAAAACACAATGGCAGAGAATGAGGTAATGATCA-3'
Protein context (NP_001127835.2, residues 824-844): EKNKTKRTDR[Asp834His]QEGADDRKEN